The following is an entry in ClinVar:

NR_024074.2:n.1181C>T

Variant type: single nucleotide variant.
Molecular consequence: non-coding transcript variant (on NR_024074.2).
Genome position: GRCh38 VCF-style: chr15-22611326-G-A. GRCh37 (hg19) VCF-style: chr15-23261770-C-T.
Identifiers: ClinVar variation 2644954 (VCV002644954.24), dbSNP rs200000941, ClinGen allele CA7426487.
Genomic context (GRCh38, chr15:22,611,326, plus strand): 5'-TTCCTTCCTCAGGTGCTGCAGCTCCACCTCAGAGGGCACTGCTGGGGGCTCCGGGGGCAA[G>A]GGTTCAGCTGAGAAAGGAAGCAGATAATAAGGGCCTCTGGATTCTCGGAAAAGAAAAAAC-3'

ClinVar aggregate classification (germline): Likely benign (1 of 4 stars; one submission).

Submission:

CeGaT Center for Human Genetics Tuebingen
Classification: Likely benign. Last evaluated: 2023-02-01. Review status: criteria provided, single submitter. Criteria: CeGaT Center For Human Genetics Tuebingen Variant Classification Criteria Version 2. Collection method: clinical testing. Allele origin: germline. Affected: yes. Observed: 2 variant alleles.
Comment: GOLGA8IP: BP4, BP7, BS2